The following is an entry in ClinVar:

NM_003906.5(MCM3AP):c.3028G>C (p.Val1010Leu)

Gene: MCM3AP (minichromosome maintenance complex component 3 associated protein; minus strand). Cytogenetic location: 21q22.3.
Variant type: single nucleotide variant.
Coding change: c.3028G>C on transcript NM_003906.5 (MANE Select); coding-DNA position 3028, G replaced by C.
Protein change: p.Val1010Leu; replaces valine 1010 with leucine.
Molecular consequence: missense variant.
Genome position (GRCh38, 1-based): chr21:46,265,928, C>G on the plus strand (G>C on the coding strand, the complement: MCM3AP is on the minus strand). VCF-style: chr21-46265928-C-G. GRCh37 (hg19) VCF-style: chr21-47685842-C-G.
Other names: c.3028G>C (NM_003906.3); short protein forms V1010L.
Identifiers: ClinVar variation 1371488 (VCV001371488.4), dbSNP rs750558919, ClinGen allele CA321986156.

ClinVar aggregate classification (germline): Uncertain significance. Review status: criteria provided, multiple submitters, no conflicts (2 of 4 stars). 2 submissions from 2 submitters: Uncertain significance (2). Last evaluated 2025-04-15.

Conditions:
Inborn genetic diseases. Identifiers: MedGen C0950123, MeSH D030342.

Allele frequency attached by ClinVar (database versions not stated): gnomAD 0.00002; gnomAD exomes 0.00001 and 0.00008; TOPMed 0.00002.
gnomAD v4.1: 107 of 1,567,072 alleles (0.0068%); highest among the groups gnomAD compares: Non-Finnish European, 0.0092%; no homozygotes.

Submissions (2):

Ambry Genetics
Classification: Uncertain significance for Inborn genetic diseases. Last evaluated: 2025-04-15. Review status: criteria provided, single submitter. Criteria: Ambry Variant Classification Scheme 2023. Collection method: clinical testing. Allele origin: germline.

Labcorp Genetics (formerly Invitae), Labcorp
Classification: Uncertain significance. Last evaluated: 2022-08-21. Review status: criteria provided, single submitter. Criteria: Invitae Variant Classification Sherloc (09022015). Collection method: clinical testing. Allele origin: germline.
Comment: This sequence change replaces valine, which is neutral and non-polar, with leucine, which is neutral and non-polar, at codon 1010 of the MCM3AP protein (p.Val1010Leu). This variant is present in population databases (rs750558919, gnomAD 0.003%). This variant has not been reported in the literature in individuals affected with MCM3AP-related conditions. ClinVar contains an entry for this variant (Variation ID: 1371488). Algorithms developed to predict the effect of missense changes on protein structure and function (SIFT, PolyPhen-2, Align-GVGD) all suggest that this variant is likely to be tolerated. In summary, the available evidence is currently insufficient to determine the role of this variant in disease. Therefore, it has been classified as a Variant of Uncertain Significance.